The following is an entry in ClinVar:

NM_000535.7(PMS2):c.714C>T (p.Ser238=)

Gene: PMS2 (PMS1 homolog 2, mismatch repair system component; minus strand). Cytogenetic location: 7p22.1.
Variant type: single nucleotide variant.
Coding change: c.714C>T on transcript NM_000535.7 (MANE Select); coding-DNA position 714, C replaced by T.
Protein change: p.Ser238=; no amino-acid change (serine 238 retained).
Molecular consequence: synonymous variant. On other transcripts: 5 prime UTR variant (2), non-coding transcript variant (1), intron variant (3).
Genome position (GRCh38, 1-based): chr7:5,997,415, G>A on the plus strand (C>T on the coding strand, the complement: PMS2 is on the minus strand). VCF-style: chr7-5997415-G-A. GRCh37 (hg19) VCF-style: chr7-6037046-G-A.
Other names: c.309C>T, p.Ser103= (NM_001322003.2, NM_001322004.2, NM_001322005.2 and 19 more transcripts); c.714C>T, p.Ser238= (NM_001322006.2, NM_001322014.2, NM_001406870.1 and 3 more transcripts); c.396C>T, p.Ser132= (NM_001322007.2, NM_001322008.2, NM_001406876.1 and 4 more transcripts); c.-220C>T (NM_001322011.2, NM_001322012.2); c.141C>T, p.Ser47= (NM_001322013.2, NM_001406909.1); c.405C>T, p.Ser135= (NM_001322015.2, NM_001406875.1, NM_001406877.1 and 6 more transcripts); c.900C>T, p.Ser300= (NM_001406866.1); c.738C>T, p.Ser246= (NM_001406868.1); and 7 more.
Identifiers: ClinVar variation 3903801 (VCV003903801.1).

ClinVar aggregate classification (germline): Benign (1 of 4 stars; one submission).

Conditions:
Lynch syndrome 4 (LYNCH4). Also called: Colorectal cancer, hereditary nonpolyposis, type 4; Hereditary non-polyposis colorectal cancer, type 4. Identifiers: Orphanet 144, MedGen C1838333, MONDO:0013699, OMIM 614337. Disease mechanism: loss of function.

Submission:

Myriad Genetics, Inc.
Classification: Benign for Lynch syndrome 4. Last evaluated: 2025-01-28. Review status: criteria provided, single submitter. Criteria: Myriad Autosomal Dominant, Autosomal Recessive and X-Linked Classification Criteria (2023). Collection method: clinical testing. Allele origin: unknown.
Comment: This variant is considered benign. This variant is a silent/synonymous amino acid change and it is not expected to impact splicing.